The following is an entry in ClinVar:

ClinVar aggregate classification (germline): Likely pathogenic (1 of 4 stars; one submission).

Conditions:
Non-small cell lung carcinoma (NSCLC). Also called: Non-small cell lung cancer. Identifiers: MedGen C0007131, MeSH D002289, MONDO:0005233, HP:0030358. Disease mechanism: Other.

Submission:

Laboratory for Molecular Medicine, Mass General Brigham Personalized Medicine
Classification: Likely pathogenic for Non-Small Cell Lung Cancer. Last evaluated: 2011-07-01. Review status: criteria provided, single submitter. Criteria: LMM Criteria. Collection method: clinical testing. Allele origin: somatic. Observed: 4 variant alleles.
Comment: This variant is a duplication at the 5' intron/exon boundary of exon 20 which results in the insertion of four amino acids. This variant has previously been reported in the literature in one lung carcinoma (Chen 2008, COSMIC). Insertions in EGFR exon 20 such as this have been associated with resistance to EGFR tyrosine kinase inhibitors; however, the likelihood of responsiveness of this individual cannot be determined conclusively.

Literature cited by the submitters: PubMed 18372921.

NM_005228.5(EGFR):c.2284-5_2290dup

Genes: EGFR (epidermal growth factor receptor; plus strand), EGFR-AS1 (EGFR antisense RNA 1; minus strand). Cytogenetic location: 7p11.2.
Variant type: Duplication.
Coding change: c.2284-5_2290dup on transcript NM_005228.5 (MANE Select); 5 bases into the intron before coding-DNA position 2284 through coding-DNA position 2290, 12 bases duplicated (TCCAGGAAGCCT).
Molecular consequence: splice acceptor variant. On other transcripts: non-coding transcript variant (1).
Genome position (GRCh38, 1-based): chr7:55,181,288-55,181,299, TCCAGGAAGCCT duplicated. VCF-style (leftmost placement, unchanged base first): chr7-55181287-C-CTCCAGGAAGCCT. GRCh37 (hg19) VCF-style: chr7-55248980-C-CTCCAGGAAGCCT.
Other names: NC_000007.13:g.55248992_55248993insTCCAGGAAGCCT; p.Ala763_Tyr764insPheGlnGluAla; c.2149-5_2155dup (NM_001346899.2, NM_001346897.2); c.1483-5_1489dup (NM_001346941.2); c.2284-5_2290dup (NM_001346898.2); c.2125-5_2131dup (NM_001346900.2).
Identifiers: ClinVar variation 45248 (VCV000045248.4), dbSNP rs397517106, ClinGen allele CA135833.